The following is an entry in ClinVar:

ClinVar aggregate classification (germline): Uncertain significance (1 of 4 stars; one submission).

Conditions:
Cardiovascular phenotype. Identifiers: MedGen CN230736.

Submission:

Ambry Genetics
Classification: Uncertain significance for Cardiovascular phenotype. Last evaluated: 2021-07-06. Review status: criteria provided, single submitter. Criteria: Ambry Variant Classification Scheme 2023. Collection method: clinical testing. Allele origin: germline.
Comment: The c.927_928insAlu variant results from the insertion of an Alu element between nucleotides 927 and 928 in coding exon 6 of the ABCG8 gene. Mobile element insertions contribute to pathogenicity by either disrupting the coding sequence or inducing aberrant splicing (Belancio VP et al. Semin. Cancer Biol. 2010 Aug;20:200-10; Deininger P et al. Genome Biol. 2011 Dec;12:236; van der Klift HM Hum Mutat. 2012 Jul;33(7):1051-5). One possible aberrant splice effect would be in-frame and, therefore, not expected to trigger nonsense-mediated mRNAdecay; however, direct evidence is unavailable. The exact functional effect of the altered amino acid sequence is unknown. Since supporting evidence is limited at this time, the clinical significance of this alteration remains unclear.

NM_022437.2:c.927_928insALU

Gene: ABCG8 (ATP binding cassette subfamily G member 8; plus strand).
Variant type: Insertion.
Identifiers: ClinVar variation 1766398 (VCV001766398.2).